The following is an entry in ClinVar:

ClinVar aggregate classification (germline): Pathogenic. Review status: criteria provided, multiple submitters, no conflicts (2 of 4 stars). 4 submissions from 4 submitters: Pathogenic (4). Last evaluated 2025-10-06.

Conditions:
Hereditary nonpolyposis colorectal neoplasms. Identifiers: MedGen C0009405, MeSH D003123.
Lynch syndrome 5 (LYNCH5). Also called: Hereditary non-polyposis colorectal cancer, type 5; Colorectal cancer, hereditary nonpolyposis, type 5. Identifiers: Orphanet 144, MedGen C1833477, MONDO:0013710, OMIM 614350. Disease mechanism: loss of function.
Hereditary cancer-predisposing syndrome. Also called: Hereditary Cancer Syndrome; Neoplastic Syndromes, Hereditary; Hereditary neoplastic syndrome; Tumor predisposition. Identifiers: Orphanet 140162, MedGen C0027672, MeSH D009386, MONDO:0015356.

Submissions (4):

Color Diagnostics, LLC DBA Color Health
Classification: Pathogenic for Hereditary cancer-predisposing syndrome. Last evaluated: 2025-10-06. Review status: criteria provided, single submitter. Criteria: ACMG Guidelines, 2015. Collection method: clinical testing. Allele origin: germline.
Comment: This variant changes 1 nucleotide in exon 2 of the MSH6 gene, creating a premature translation stop signal. This variant is expected to result in an absent or non-functional protein product. This variant has been reported in individuals affected with colonic adenocarcinoma with loss of MSH6 protein by immunohistochemistry (PMID: 30917047). This variant has not been identified in the general population by the Genome Aggregation Database (gnomAD). Loss of MSH6 function is a known mechanism of disease. Based on the available evidence, this variant is classified as Pathogenic.

Ambry Genetics
Classification: Pathogenic for Hereditary cancer-predisposing syndrome. Last evaluated: 2024-05-14. Review status: criteria provided, single submitter. Criteria: Ambry Variant Classification Scheme 2023. Collection method: clinical testing. Allele origin: germline.
Comment: The p.S126* pathogenic mutation (also known as c.377C>G), located in coding exon 2 of the MSH6 gene, results from a C to G substitution at nucleotide position 377. This changes the amino acid from a serine to a stop codon within coding exon 2. This alteration has been reported in an individual with a personal history of colonic adenocarcinoma, whose tumor demonstrated loss of MSH6 staining on immunohistochemistry (Sarode VR et al. Arch Pathol Lab Med, 2019 10;143:1225-1233). In addition to the clinical data presented in the literature, this alteration is expected to result in loss of function by premature protein truncation or nonsense-mediated mRNA decay. As such, this alteration is interpreted as a disease-causing mutation.

Labcorp Genetics (formerly Invitae), Labcorp
Classification: Pathogenic for Hereditary nonpolyposis colorectal neoplasms. Last evaluated: 2024-02-15. Review status: criteria provided, single submitter. Criteria: Invitae Variant Classification Sherloc (09022015). Collection method: clinical testing. Allele origin: germline.
Comment: This sequence change creates a premature translational stop signal (p.Ser126*) in the MSH6 gene. It is expected to result in an absent or disrupted protein product. Loss-of-function variants in MSH6 are known to be pathogenic (PMID: 18269114, 24362816). This variant is not present in population databases (gnomAD no frequency). This variant has not been reported in the literature in individuals affected with MSH6-related conditions. ClinVar contains an entry for this variant (Variation ID: 428286). For these reasons, this variant has been classified as Pathogenic.

Myriad Genetics, Inc.
Classification: Pathogenic for Lynch syndrome 5. Last evaluated: 2023-08-10. Review status: criteria provided, single submitter. Criteria: Myriad Autosomal Dominant, Autosomal Recessive and X-Linked Classification Criteria (2023). Collection method: clinical testing. Allele origin: unknown.
Comment: This variant is considered pathogenic. This variant creates a termination codon and is predicted to result in premature protein truncation.

Literature cited by the submitters: PubMed 30917047 (cited by Color Diagnostics, LLC DBA Color Health and Ambry Genetics); PubMed 18269114 (cited by Labcorp Genetics (formerly Invitae), Labcorp); PubMed 24362816 (cited by Labcorp Genetics (formerly Invitae), Labcorp).

NM_000179.3(MSH6):c.377C>G (p.Ser126Ter)

Gene: MSH6 (mutS homolog 6; plus strand). Cytogenetic location: 2p16.3.
Variant type: single nucleotide variant.
Coding change: c.377C>G on transcript NM_000179.3 (MANE Select); coding-DNA position 377, C replaced by G.
Protein change: p.Ser126Ter; replaces serine 126 with a stop codon.
Molecular consequence: nonsense. On other transcripts: 5 prime UTR variant (2), intron variant (1).
Genome position (GRCh38, 1-based): chr2:47,791,043, C>G. VCF-style: chr2-47791043-C-G. GRCh37 (hg19) VCF-style: chr2-48018182-C-G.
Other names: c.-526C>G (NM_001281494.2); c.238-7568C>G (NM_001281492.2); c.-360C>G (NM_001281493.2); short protein forms S126*.
Identifiers: ClinVar variation 428286 (VCV000428286.17), dbSNP rs1114167689, ClinGen allele CA346737042.